The following is an entry in ClinVar:

ClinVar aggregate classification (germline): Uncertain significance (1 of 4 stars; one submission).

Conditions:
Tyrosinemia type I (TYRSN1). Also called: Tyrosinemia type 1; Fumarylacetoacetase deficiency; Deficiency of fumarylacetoacetase; HEPATORENAL TYROSINEMIA; FAH DEFICIENCY. Identifiers: Orphanet 882, MedGen C0268490, MONDO:0010161, OMIM 276700. Disease mechanism: loss of function.

Submission:

Labcorp Genetics (formerly Invitae), Labcorp
Classification: Uncertain significance for Tyrosinemia type I. Last evaluated: 2019-02-10. Review status: criteria provided, single submitter. Criteria: Invitae Variant Classification Sherloc (09022015). Collection method: clinical testing. Allele origin: germline.
Comment: In summary, the available evidence is currently insufficient to determine the role of this variant in disease. Therefore, it has been classified as a Variant of Uncertain Significance. Algorithms developed to predict the effect of missense changes on protein structure and function are either unavailable or do not agree on the potential impact of this missense change (SIFT: "Deleterious"; PolyPhen-2: "Probably Damaging"; Align-GVGD: "Class C0"). This variant has not been reported in the literature in individuals with FAH-related conditions. This variant is not present in population databases (ExAC no frequency). This sequence change replaces phenylalanine with leucine at codon 226 of the FAH protein (p.Phe226Leu). The phenylalanine residue is highly conserved and there is a small physicochemical difference between phenylalanine and leucine.

NM_000137.4(FAH):c.678T>G (p.Phe226Leu)

Gene: FAH (fumarylacetoacetate hydrolase; plus strand). Cytogenetic location: 15q25.1.
Variant type: single nucleotide variant.
Coding change: c.678T>G on transcript NM_000137.4 (MANE Select); coding-DNA position 678, T replaced by G.
Protein change: p.Phe226Leu; replaces phenylalanine 226 with leucine.
Molecular consequence: missense variant.
Genome position (GRCh38, 1-based): chr15:80,172,220, T>G. VCF-style: chr15-80172220-T-G. GRCh37 (hg19) VCF-style: chr15-80464562-T-G.
Other names: c.678T>G, p.Phe226Leu (NM_001374377.1, NM_001374380.1); short protein forms F226L.
Identifiers: ClinVar variation 852802 (VCV000852802.8), dbSNP rs2041247325, ClinGen allele CA393620558.